The following is an entry in ClinVar:

NM_019066.5(MAGEL2):c.785C>G (p.Pro262Arg)

Gene: MAGEL2 (MAGE family member L2; minus strand). Cytogenetic location: 15q11.2.
Variant type: single nucleotide variant.
Coding change: c.785C>G on transcript NM_019066.5 (MANE Select); coding-DNA position 785, C replaced by G.
Protein change: p.Pro262Arg; replaces proline 262 with arginine.
Molecular consequence: missense variant.
Genome position (GRCh38, 1-based): chr15:23,646,958, G>C on the plus strand (C>G on the coding strand, the complement: MAGEL2 is on the minus strand). VCF-style: chr15-23646958-G-C. GRCh37 (hg19) VCF-style: chr15-23892105-G-C.
Other names: short protein forms P262R.
Identifiers: ClinVar variation 2747462 (VCV002747462.3), dbSNP rs1366908283, ClinGen allele CA391335877.
Genomic context (GRCh38, chr15:23,646,958, plus strand): 5'-GGAGGCTTGGCCATCGGTGCTCCTGAAGGCTGAGGCTGGGTCATCATGGCTGCTGGAGGC[G>C]GCTGGACCATCGGTGCTCCCGGAGCAGCAGGCTGGACCATCAGGACTCCCGGAGTCAGAG-3'
Protein context (NP_061939.3, residues 252-272): PAAPGAPMVQ[Pro262Arg]PPAAMMTQPQ

ClinVar aggregate classification (germline): Uncertain significance (1 of 4 stars; one submission).

Submission:

Labcorp Genetics (formerly Invitae), Labcorp
Classification: Uncertain significance. Last evaluated: 2023-07-27. Review status: criteria provided, single submitter. Criteria: Invitae Variant Classification Sherloc (09022015). Collection method: clinical testing. Allele origin: germline.
Comment: In summary, the available evidence is currently insufficient to determine the role of this variant in disease. Therefore, it has been classified as a Variant of Uncertain Significance. This sequence change replaces proline, which is neutral and non-polar, with arginine, which is basic and polar, at codon 262 of the MAGEL2 protein (p.Pro262Arg). This variant is not present in population databases (gnomAD no frequency). This variant has not been reported in the literature in individuals affected with MAGEL2-related conditions. Experimental studies and prediction algorithms are not available or were not evaluated, and the functional significance of this variant is currently unknown.